The following is an entry in ClinVar:

ClinVar aggregate classification (germline): Uncertain significance (1 of 4 stars; one submission).

Conditions:
Christianson syndrome (MRXSCH). Also called: X-linked mental retardation, syndromic, Christianson type; INTELLECTUAL DEVELOPMENTAL DISORDER, X-LINKED, SYNDROMIC, CHRISTIANSON TYPE; SLC9A6-Related Syndromic Mental Retardation. Identifiers: Orphanet 85278, MedGen C2678194, MONDO:0010278, OMIM 300243.

Allele frequency attached by ClinVar (database versions not stated): gnomAD exomes 0.00001.

Submission:

Labcorp Genetics (formerly Invitae), Labcorp
Classification: Uncertain significance for Christianson syndrome. Last evaluated: 2023-10-05. Review status: criteria provided, single submitter. Criteria: Invitae Variant Classification Sherloc (09022015). Collection method: clinical testing. Allele origin: germline.
Comment: This sequence change replaces methionine, which is neutral and non-polar, with threonine, which is neutral and polar, at codon 198 of the SLC9A6 protein (p.Met198Thr). This variant is not present in population databases (gnomAD no frequency). This variant has not been reported in the literature in individuals affected with SLC9A6-related conditions. Advanced modeling of protein sequence and biophysical properties (such as structural, functional, and spatial information, amino acid conservation, physicochemical variation, residue mobility, and thermodynamic stability) performed at Invitae indicates that this missense variant is not expected to disrupt SLC9A6 protein function. In summary, the available evidence is currently insufficient to determine the role of this variant in disease. Therefore, it has been classified as a Variant of Uncertain Significance.

NM_001379110.1(SLC9A6):c.533T>C (p.Met178Thr)

Gene: SLC9A6 (solute carrier family 9 member A6; plus strand). Cytogenetic location: Xq26.3.
Variant type: single nucleotide variant.
Coding change: c.533T>C on transcript NM_001379110.1 (MANE Select); coding-DNA position 533, T replaced by C.
Protein change: p.Met178Thr; replaces methionine 178 with threonine.
Molecular consequence: missense variant.
Genome position (GRCh38, 1-based): chrX:135,998,864, T>C. VCF-style: chrX-135998864-T-C. GRCh37 (hg19) VCF-style: chrX-135081023-T-C.
Other names: c.689T>C, p.Met230Thr (NM_001042537.2); c.533T>C, p.Met178Thr (NM_001177651.2, NM_001400909.1, NM_001400910.1 and 2 more transcripts); c.437T>C, p.Met146Thr (NM_001330652.2, NM_001400913.1); c.593T>C, p.Met198Thr (NM_006359.3); short protein forms M146T, M178T, M198T, M230T.
Identifiers: ClinVar variation 2776514 (VCV002776514.3), dbSNP rs2521188242, ClinGen allele CA414750076.